The following is an entry in ClinVar:

NM_000218.3(KCNQ1):c.92C>A (p.Ala31Asp)

Gene: KCNQ1 (potassium voltage-gated channel subfamily Q member 1; plus strand). Cytogenetic location: 11p15.5.
Variant type: single nucleotide variant.
Coding change: c.92C>A on transcript NM_000218.3 (MANE Select); coding-DNA position 92, C replaced by A.
Protein change: p.Ala31Asp; replaces alanine 31 with aspartic acid.
Molecular consequence: missense variant. On other transcripts: 5 prime UTR variant (1).
Genome position (GRCh38, 1-based): chr11:2,445,190, C>A. VCF-style: chr11-2445190-C-A. GRCh37 (hg19) VCF-style: chr11-2466420-C-A.
Other names: c.92C>A, p.Ala31Asp (NM_001406836.1, NM_001406838.1); c.-271C>A (NM_001406837.1); short protein forms A31D.
Identifiers: ClinVar variation 4694192 (VCV004694192.1).
Genomic context (GRCh38, chr11:2,445,190, plus strand): 5'-AGAGGAAGCGCTGGGGTTGGGGCCGCCTGCCAGGCGCCCGGCGGGGCAGCGCGGGCCTGG[C>A]CAAGAAGTGCCCCTTCTCGCTGGAGCTGGCGGAGGGCGGCCCGGCGGGCGGCGCGCTCTA-3'
Protein context (NP_000209.2, residues 21-41): PGARRGSAGL[Ala31Asp]KKCPFSLELA

ClinVar aggregate classification (germline): Uncertain significance (1 of 4 stars; one submission).

Conditions:
Long QT syndrome (LQTS). Identifiers: MedGen C0023976, MeSH D008133, MONDO:0002442. Disease mechanism: loss of function. Inheritance: Various modes of inheritance.

gnomAD v4.1: 1 of 1,148,282 alleles (0.000087%); highest among the groups gnomAD compares: Non-Finnish European, 0.00011%; no homozygotes.

Submission:

Labcorp Genetics (formerly Invitae), Labcorp
Classification: Uncertain significance for Long QT syndrome. Last evaluated: 2025-04-27. Review status: criteria provided, single submitter. Criteria: Invitae Variant Classification Sherloc (09022015). Collection method: clinical testing. Allele origin: germline.
Comment: This sequence change replaces alanine, which is neutral and non-polar, with aspartic acid, which is acidic and polar, at codon 31 of the KCNQ1 protein (p.Ala31Asp). The frequency data for this variant in the population databases is considered unreliable, as metrics indicate poor data quality at this position in the gnomAD database. This variant has not been reported in the literature in individuals affected with KCNQ1-related conditions. Invitae Evidence Modeling of protein sequence and biophysical properties (such as structural, functional, and spatial information, amino acid conservation, physicochemical variation, residue mobility, and thermodynamic stability) indicates that this missense variant is not expected to disrupt KCNQ1 protein function with a negative predictive value of 95%. In summary, the available evidence is currently insufficient to determine the role of this variant in disease. Therefore, it has been classified as a Variant of Uncertain Significance.